The following is an entry in ClinVar:

ClinVar aggregate classification (germline): Uncertain significance (1 of 4 stars; one submission).

Conditions:
Hereditary nonpolyposis colorectal neoplasms. Identifiers: MedGen C0009405, MeSH D003123.

Submission:

Labcorp Genetics (formerly Invitae), Labcorp
Classification: Uncertain significance for Hereditary nonpolyposis colorectal neoplasms. Last evaluated: 2022-04-16. Review status: criteria provided, single submitter. Criteria: Invitae Variant Classification Sherloc (09022015). Collection method: clinical testing. Allele origin: germline.
Comment: This variant results in a copy number gain of the genomic region encompassing exon(s) 1 of the PMS2 gene. This region includes the initiator codon of the gene. This copy number gain extends beyond the assayed region for this gene and therefore may encompass additional genes. As the precise location of this event is unknown, it may be in tandem or it may be located elsewhere in the genome. This variant has not been reported in the literature in individuals affected with PMS2-related conditions. Experimental studies and prediction algorithms are not available or were not evaluated, and the functional significance of this variant is currently unknown. In summary, the available evidence is currently insufficient to determine the role of this variant in disease. Therefore, it has been classified as a Variant of Uncertain Significance.

NC_000007.13:g.(?_6048618)_(6049099_?)dup

Genes: AIMP2 (aminoacyl tRNA synthetase complex interacting multifunctional protein 2; plus strand), PMS2 (PMS1 homolog 2, mismatch repair system component; minus strand). Cytogenetic location: 7p22.1.
Variant type: Duplication.
Identifiers: ClinVar variation 2423259 (VCV002423259.1).